The following is an entry in ClinVar:

ClinVar aggregate classification (germline): Uncertain significance (1 of 4 stars; one submission).

gnomAD v4.1: 2 of 1,610,990 alleles (0.00012%); highest among the groups gnomAD compares: Middle Eastern, 0.017%; no homozygotes.

Submission:

Ambry Genetics
Classification: Uncertain significance. Last evaluated: 2026-01-13. Review status: criteria provided, single submitter. Criteria: Ambry Variant Classification Scheme 2023. Collection method: clinical testing. Allele origin: germline.
Comment: The p.G406D variant (also known as c.1217G>A) is located in coding exon 10 of the RECQL gene. The glycine at codon 406 is replaced by aspartic acid, an amino acid with similar properties. This change occurs in the first base pair of coding exon 10. This amino acid position is conserved. In addition, this alteration is predicted to be deleterious by in silico analysis. Based on the available evidence, the clinical significance of this variant remains unclear.

NM_002907.4(RECQL):c.1217G>A (p.Gly406Asp)

Gene: RECQL (RecQ like helicase; minus strand). Cytogenetic location: 12p12.1.
Variant type: single nucleotide variant.
Coding change: c.1217G>A on transcript NM_002907.4 (MANE Select); coding-DNA position 1217, G replaced by A.
Protein change: p.Gly406Asp; replaces glycine 406 with aspartic acid.
Molecular consequence: missense variant.
Genome position (GRCh38, 1-based): chr12:21,474,979, C>T on the plus strand (G>A on the coding strand, the complement: RECQL is on the minus strand). VCF-style: chr12-21474979-C-T. GRCh37 (hg19) VCF-style: chr12-21627913-C-T.
Other names: c.1217G>A, p.Gly406Asp (NM_032941.3); short protein forms G406D.
Identifiers: ClinVar variation 4842802 (VCV004842802.1).